The following is an entry in ClinVar:

NM_001845.6(COL4A1):c.4150+9G>C

Gene: COL4A1 (collagen type IV alpha 1 chain; minus strand). Cytogenetic location: 13q34.
Variant type: single nucleotide variant.
Coding change: c.4150+9G>C on transcript NM_001845.6 (MANE Select); 9 bases into the intron after coding-DNA position 4150, G replaced by C.
Molecular consequence: intron variant.
Genome position (GRCh38, 1-based): chr13:110,164,853, C>G on the plus strand (G>C on the coding strand, the complement: COL4A1 is on the minus strand). VCF-style: chr13-110164853-C-G. GRCh37 (hg19) VCF-style: chr13-110817200-C-G.
Other names: c.4150+9G>C (NM_001845.5).
Identifiers: ClinVar variation 2916940 (VCV002916940.5), dbSNP rs375332301, ClinGen allele CA695028564.

ClinVar aggregate classification (germline): Likely benign. Review status: criteria provided, single submitter (1 of 4 stars). 2 submissions from 2 submitters: Likely benign (1). 1 of the submissions does not count toward it. Last evaluated 2025-12-19.

Conditions:
COL4A1-related disorder. Also called: COL4A1-related disorders; COL4A1-related condition. Identifiers: MedGen CN376119, MONDO:0800461.

Submissions (2):

Labcorp Genetics (formerly Invitae), Labcorp
Classification: Likely benign. Last evaluated: 2025-12-19. Review status: criteria provided, single submitter. Criteria: Invitae Variant Classification Sherloc (09022015). Collection method: clinical testing. Allele origin: germline.

PreventionGenetics, part of Exact Sciences
Classification: Likely benign for COL4A1-related condition. Last evaluated: 2021-03-31. Review status: no assertion criteria provided. Collection method: clinical testing. Allele origin: germline. Not counted in ClinVar's aggregate classification.
Comment: This variant is classified as likely benign based on ACMG/AMP sequence variant interpretation guidelines (Richards et al. 2015 PMID: 25741868, with internal and published modifications).